The following is an entry in ClinVar:

ClinVar aggregate classification (germline): Conflicting classifications of pathogenicity. Review status: criteria provided, conflicting classifications (1 of 4 stars). 30 submissions from 30 submitters: Uncertain significance (1); Benign (10); Likely benign (10). 9 of the submissions do not count toward it. Last evaluated 2026-08-01.

Conditions:
Hereditary cancer-predisposing syndrome. Also called: Neoplastic Syndromes, Hereditary; Tumor predisposition; Hereditary neoplastic syndrome; Hereditary Cancer Syndrome. Identifiers: Orphanet 140162, MedGen C0027672, MeSH D009386, MONDO:0015356.
Fanconi anemia (FA). Also called: Fanconi's anemia. Identifiers: Orphanet 84, MedGen C0015625, MeSH D005199, MONDO:0019391.
Fanconi anemia complementation group C (FANCC). Also called: FANCC-Related Fanconi Anemia; FANCONI PANCYTOPENIA, TYPE 3; FACC; Fanconi anemia, group C. Identifiers: Orphanet 84, MedGen C3468041, MONDO:0009213, OMIM 227645.
Fanconi anemia complementation group A (FANCA). Also called: FANCA-Related Fanconi Anemia; Fanconi anemia, group A. Identifiers: Orphanet 84, MedGen C3469521, MONDO:0009215, OMIM 227650.
Malignant tumor of breast. Also called: Malignant breast neoplasm; Cancer breast. Identifiers: MedGen C0006142, MONDO:0007254. Disease mechanism: loss of function.

Allele frequency attached by ClinVar (database versions not stated): 1000 Genomes Project 0.00260; gnomAD 0.00275 and 0.00286; 1000 Genomes Project 30x 0.00297; ExAC 0.00308; gnomAD exomes 0.00313 and 0.00401; ESP Exome Variant Server 0.00315; TOPMed 0.00317.
gnomAD v4.1: 6,367 of 1,614,040 alleles (0.39%); highest among the groups gnomAD compares: Middle Eastern, 0.51%; 26 homozygotes.

Submissions 1 to 24 of 30:

CeGaT Center for Human Genetics Tuebingen
Classification: Likely benign. Last evaluated: 2026-08-01. Review status: criteria provided, single submitter. Criteria: CeGaT Center For Human Genetics Tuebingen Variant Classification Criteria Version 2. Collection method: clinical testing. Allele origin: germline. Affected: yes. Observed: 59 variant alleles.
Comment: FANCC: BP4, BS2

Labcorp Genetics (formerly Invitae), Labcorp
Classification: Benign for Fanconi anemia. Last evaluated: 2026-02-01. Review status: criteria provided, single submitter. Criteria: Invitae Variant Classification Sherloc (09022015). Collection method: clinical testing. Allele origin: germline.

Dasa
Classification: Benign. Last evaluated: 2026-01-08. Review status: criteria provided, single submitter. Criteria: DASA Assertion Criteria. Collection method: clinical testing. Allele origin: germline.
Comment: NM_000136.3(FANCC):c.584A>T (p.Asp195Val) is a missense variant that results in the substitution of aspartic acid with valine. Population frequency is inconsistent with a disease-causing role for this variant, and observations in unaffected individuals support a benign interpretation. Therefore, based on the currently available evidence, this variant is classified as benign.

Mayo Clinic Laboratories, Mayo Clinic
Classification: Likely benign. Last evaluated: 2025-10-17. Review status: criteria provided, single submitter. Criteria: ACMG Guidelines, 2015. Collection method: clinical testing. Allele origin: germline. Observed: 15 variant alleles.
Comment: BS1, BS3_supporting

Quest Diagnostics Nichols Institute San Juan Capistrano
Classification: Benign. Last evaluated: 2025-06-09. Review status: criteria provided, single submitter. Criteria: Quest Diagnostics criteria. Collection method: clinical testing. Allele origin: unknown.

ARUP Laboratories, Molecular Genetics and Genomics, ARUP Laboratories
Classification: Benign for Fanconi anemia complementation group C. Last evaluated: 2025-05-23. Review status: criteria provided, single submitter. Criteria: ARUP Molecular Germline Variant Investigation Process 2024. Collection method: clinical testing. Allele origin: germline.

Blueprint Genetics
Classification: Likely benign. Last evaluated: 2024-11-26. Review status: criteria provided, single submitter. Criteria: ACMG Guidelines, 2015. Collection method: clinical testing. Allele origin: germline.

Institute for Clinical Genetics, University Hospital TU Dresden, University Hospital TU Dresden
Classification: Benign. Last evaluated: 2021-11-03. Review status: criteria provided, single submitter. Criteria: ACMG Guidelines, 2015. Collection method: clinical testing. Allele origin: germline.

Genome-Nilou Lab
Classification: Likely benign for Fanconi anemia complementation group C. Last evaluated: 2021-05-18. Review status: criteria provided, single submitter. Criteria: ACMG Guidelines, 2015. Collection method: clinical testing. Allele origin: germline. Affected: no.

Sema4
Classification: Benign for Fanconi anemia. Last evaluated: 2020-10-16. Review status: criteria provided, single submitter. Criteria: Sema4 Curation Guidelines. Collection method: curation. Allele origin: germline.

Baylor Genetics
Classification: Uncertain significance for Fanconi anemia complementation group C. Last evaluated: 2019-05-29. Review status: criteria provided, single submitter. Criteria: ACMG Guidelines, 2015. Collection method: clinical testing. Allele origin: unknown. Affected: yes.
Comment: This variant was determined to be of uncertain significance according to ACMG Guidelines, 2015 [PMID:25741868].

Mendelics
Classification: Likely benign for Fanconi anemia complementation group A. Last evaluated: 2019-05-28. Review status: criteria provided, single submitter. Criteria: Mendelics Assertion Criteria 2017. Collection method: clinical testing. Allele origin: unknown.

Ambry Genetics
Classification: Benign for Hereditary cancer-predisposing syndrome. Last evaluated: 2018-09-21. Review status: criteria provided, single submitter. Criteria: Ambry Variant Classification Scheme 2023. Collection method: clinical testing. Allele origin: germline.

Illumina Laboratory Services, Illumina
Classification: Likely benign for Fanconi anemia complementation group C. Last evaluated: 2017-04-27. Review status: criteria provided, single submitter. Criteria: ICSL Variant Classification Criteria 13 December 2019. Collection method: clinical testing. Allele origin: germline.
Comment: This variant was observed as part of a predisposition screen in an ostensibly healthy population. A literature search was performed for the gene, cDNA change, and amino acid change (where applicable). Publications were found based on this search. The evidence from the literature, in combination with allele frequency data from public databases where available, was sufficient to determine this variant is unlikely to cause disease. Therefore, this variant is classified as likely benign.

Laboratory for Molecular Medicine, Mass General Brigham Personalized Medicine
Classification: Likely benign. Last evaluated: 2016-03-28. Review status: criteria provided, single submitter. Criteria: LMM Criteria. Collection method: clinical testing. Allele origin: germline.
Comment: Variant identified in a genome or exome case(s) and assessed due to predicted null impact of the variant or pathogenic assertions in the literature or databases. Disclaimer: This variant has not undergone full assessment. Classified as Benign in ClinVar by GeneDx. MAF 0.4%.

Vantari Genetics
Classification: Benign for Hereditary cancer-predisposing syndrome. Last evaluated: 2015-12-03. Review status: criteria provided, single submitter. Criteria: ACMG Guidelines, 2015. Collection method: clinical testing. Allele origin: germline.

Genetic Services Laboratory, University of Chicago
Classification: Likely benign. Last evaluated: 2015-09-29. Review status: criteria provided, single submitter. Criteria: ACMG Guidelines, 2015. Collection method: clinical testing. Allele origin: germline. Affected: no.

Center for Pediatric Genomic Medicine, Children's Mercy Hospital and Clinics
Classification: Likely benign. Last evaluated: 2015-08-26. Review status: criteria provided, single submitter. Criteria: ACMG Guidelines, 2015. Collection method: clinical testing. Allele origin: germline.
ClinVar note: Converted during submission from Likely Benign to Likely benign.

Eurofins Ntd Llc (ga)
Classification: Benign. Last evaluated: 2015-08-24. Review status: criteria provided, single submitter. Criteria: EGL Classification Definitions 2015. Collection method: clinical testing. Allele origin: germline. Observed: 3 variant alleles, 3 heterozygotes.

GeneDx
Classification: Benign. Last evaluated: 2013-10-17. Review status: criteria provided, single submitter. Criteria: GeneDx Variant Classification (06012015). Collection method: clinical testing. Allele origin: germline. Affected: yes.
Comment: This variant is considered likely benign or benign based on one or more of the following criteria: it is a conservative change, it occurs at a poorly conserved position in the protein, it is predicted to be benign by multiple in silico algorithms, and/or has population frequency not consistent with disease.

PreventionGenetics, part of Exact Sciences
Classification: Likely benign. Review status: criteria provided, single submitter. Criteria: ACMG Guidelines, 2015. Collection method: clinical testing. Allele origin: germline.

Natera, Inc.
Classification: Benign for Fanconi anemia. Last evaluated: 2017-06-14. Review status: no assertion criteria provided. Collection method: clinical testing. Allele origin: germline. Not counted in ClinVar's aggregate classification.

Counsyl
Classification: Likely benign for Fanconi anemia complementation group C. Last evaluated: 2017-05-25. Review status: no assertion criteria provided. Collection method: clinical testing. Allele origin: unknown. Not counted in ClinVar's aggregate classification.

ITMI
No classification provided. Condition: AllHighlyPenetrant. Last evaluated: 2013-09-19. Review status: no classification provided. Collection method: reference population. Allele origin: germline. Not counted in ClinVar's aggregate classification.
Comment: Please see associated publication for description of ethnicities

NM_000136.3(FANCC):c.584A>T (p.Asp195Val)

Genes: AOPEP (aminopeptidase O (putative); plus strand), FANCC (FA complementation group C; minus strand). Cytogenetic location: 9q22.32.
Variant type: single nucleotide variant.
Coding change: c.584A>T on transcript NM_000136.3 (MANE Select); coding-DNA position 584, A replaced by T.
Protein change: p.Asp195Val; replaces aspartic acid 195 with valine.
Molecular consequence: missense variant.
Genome position (GRCh38, 1-based): chr9:95,150,025, T>A on the plus strand (A>T on the coding strand, the complement: FANCC is on the minus strand). VCF-style: chr9-95150025-T-A. GRCh37 (hg19) VCF-style: chr9-97912307-T-A.
Other names: p.D195V:GAT>GTT; c.584A>T, p.Asp195Val (NM_001243743.2, NM_001243744.2); short protein forms D195V.
Identifiers: ClinVar variation 134305 (VCV000134305.100), dbSNP rs1800365, ClinGen allele CA247025.